The following is an entry in ClinVar:

ClinVar aggregate classification (germline): Likely benign. Review status: criteria provided, multiple submitters, no conflicts (2 of 4 stars). 2 submissions from 2 submitters: Likely benign (2). Last evaluated 2025-08-01.

Conditions:
Fanconi anemia (FA). Also called: Fanconi's anemia. Identifiers: Orphanet 84, MedGen C0015625, MeSH D005199, MONDO:0019391.

Allele frequency attached by ClinVar (database versions not stated): gnomAD 0.00001; gnomAD exomes 0.00001; TOPMed 0.00002.
gnomAD v4.1: 15 of 1,614,050 alleles (0.00093%); highest among the groups gnomAD compares: African/African-American, 0.0027%; no homozygotes.

Submissions (2):

CeGaT Center for Human Genetics Tuebingen
Classification: Likely benign. Last evaluated: 2025-08-01. Review status: criteria provided, single submitter. Criteria: CeGaT Center For Human Genetics Tuebingen Variant Classification Criteria Version 2. Collection method: clinical testing. Allele origin: germline. Affected: yes. Observed: 2 variant alleles.
Comment: SLX4: BP4, BP7

Labcorp Genetics (formerly Invitae), Labcorp
Classification: Likely benign for Fanconi anemia. Last evaluated: 2023-12-17. Review status: criteria provided, single submitter. Criteria: Invitae Variant Classification Sherloc (09022015). Collection method: clinical testing. Allele origin: germline.

NM_032444.4(SLX4):c.2925G>A (p.Pro975=)

Gene: SLX4 (SLX4 structure-specific endonuclease subunit; minus strand). Cytogenetic location: 16p13.3.
Variant type: single nucleotide variant.
Coding change: c.2925G>A on transcript NM_032444.4 (MANE Select); coding-DNA position 2925, G replaced by A.
Protein change: p.Pro975=; no amino-acid change (proline 975 retained).
Molecular consequence: synonymous variant.
Genome position (GRCh38, 1-based): chr16:3,590,713, C>T on the plus strand (G>A on the coding strand, the complement: SLX4 is on the minus strand). VCF-style: chr16-3590713-C-T. GRCh37 (hg19) VCF-style: chr16-3640714-C-T.
Identifiers: ClinVar variation 1118655 (VCV001118655.32), dbSNP rs1431725463, ClinGen allele CA493391857.